The following is an entry in ClinVar:

ClinVar aggregate classification (germline): Uncertain significance (1 of 4 stars; one submission).

Conditions:
Idiopathic Pulmonary Fibrosis. Also called: Idiopathic fibrosing alveolitis, chronic form; idiopathic fibrosing alveolitis. Identifiers: Orphanet 2032, MedGen C1800706, MeSH D054990, MONDO:0800504.
Dyskeratosis congenita, autosomal dominant 2. Identifiers: MedGen C3151443, MONDO:0013521, OMIM 613989.

Allele frequency attached by ClinVar (database versions not stated): gnomAD exomes below 0.00001; ESP Exome Variant Server 0.00008.
gnomAD v4.1: 9 of 1,612,826 alleles (0.00056%); highest among the groups gnomAD compares: Non-Finnish European, 0.00076%; no homozygotes.

Submission:

Labcorp Genetics (formerly Invitae), Labcorp
Classification: Uncertain significance for Dyskeratosis congenita, autosomal dominant 2; Idiopathic Pulmonary Fibrosis. Last evaluated: 2022-10-03. Review status: criteria provided, single submitter. Criteria: Invitae Variant Classification Sherloc (09022015). Collection method: clinical testing. Allele origin: germline.
Comment: This sequence change falls in intron 15 of the TERT gene. It does not directly change the encoded amino acid sequence of the TERT protein. This variant is present in population databases (rs376994291, gnomAD 0.0009%). This variant has not been reported in the literature in individuals affected with TERT-related conditions. ClinVar contains an entry for this variant (Variation ID: 953329). Algorithms developed to predict the effect of sequence changes on RNA splicing suggest that this variant may create or strengthen a splice site. In summary, the available evidence is currently insufficient to determine the role of this variant in disease. Therefore, it has been classified as a Variant of Uncertain Significance.

NM_198253.3(TERT):c.3295+10G>A

Gene: TERT (telomerase reverse transcriptase; minus strand). Cytogenetic location: 5p15.33.
Variant type: single nucleotide variant.
Coding change: c.3295+10G>A on transcript NM_198253.3 (MANE Select); 10 bases into the intron after coding-DNA position 3295, G replaced by A.
Molecular consequence: intron variant.
Genome position (GRCh38, 1-based): chr5:1,254,358, C>T on the plus strand (G>A on the coding strand, the complement: TERT is on the minus strand). VCF-style: chr5-1254358-C-T. GRCh37 (hg19) VCF-style: chr5-1254473-C-T.
Other names: c.3106+10G>A (NM_001193376.3).
Identifiers: ClinVar variation 953329 (VCV000953329.7), dbSNP rs376994291, ClinGen allele CA112923320.